The following is an entry in ClinVar:

ClinVar aggregate classification (germline): Uncertain significance (1 of 4 stars; one submission).

Conditions:
Hereditary cancer-predisposing syndrome. Also called: Hereditary Cancer Syndrome; Hereditary neoplastic syndrome; Neoplastic Syndromes, Hereditary; Tumor predisposition. Identifiers: Orphanet 140162, MedGen C0027672, MeSH D009386, MONDO:0015356.

Submission:

Ambry Genetics
Classification: Uncertain significance for Hereditary cancer-predisposing syndrome. Last evaluated: 2022-04-02. Review status: criteria provided, single submitter. Criteria: Ambry Variant Classification Scheme 2023. Collection method: clinical testing. Allele origin: germline.
Comment: The p.K190Q variant (also known as c.568A>C), located in coding exon 2 of the BLM gene, results from an A to C substitution at nucleotide position 568. The lysine at codon 190 is replaced by glutamine, an amino acid with similar properties. This amino acid position is conserved. In addition, this alteration is predicted to be tolerated by in silico analysis. Since supporting evidence is limited at this time, the clinical significance of this alteration remains unclear.

NM_000057.4(BLM):c.568A>C (p.Lys190Gln)

Gene: BLM (BLM RecQ like helicase; plus strand). Cytogenetic location: 15q26.1.
Variant type: single nucleotide variant.
Coding change: c.568A>C on transcript NM_000057.4 (MANE Select); coding-DNA position 568, A replaced by C.
Protein change: p.Lys190Gln; replaces lysine 190 with glutamine.
Molecular consequence: missense variant. On other transcripts: 5 prime UTR variant (1).
Genome position (GRCh38, 1-based): chr15:90,749,836, A>C. VCF-style: chr15-90749836-A-C. GRCh37 (hg19) VCF-style: chr15-91293066-A-C.
Other names: c.568A>C, p.Lys190Gln (NM_001287246.2, NM_001287247.2); c.-724A>C (NM_001287248.2); short protein forms K190Q.
Identifiers: ClinVar variation 1749059 (VCV001749059.2), dbSNP rs1895626152, ClinGen allele CA393841068.
Genomic context (GRCh38, chr15:90,749,836, plus strand): 5'-GTTACACCACCCCAAAGTCACTTTGTAAGAGTAAGCACTGCTCAGAAATCAAAAAAGGGT[A>C]AGAGAAACTTTTTTAAAGCACAGCTTTATACAACAAACACAGTAAAGACTGATTTGCCTC-3'
Protein context (NP_000048.1, residues 180-200): VSTAQKSKKG[Lys190Gln]RNFFKAQLYT